The following is an entry in ClinVar:

ClinVar aggregate classification (germline): Uncertain significance. Review status: criteria provided, multiple submitters, no conflicts (2 of 4 stars). 2 submissions from 2 submitters: Uncertain significance (2). Last evaluated 2025-08-19.

Conditions:
Loeys-Dietz syndrome 2 (LDS2). Also called: TGFBR2-Related Loeys-Dietz Syndrome; Marfan Syndrome type 2; Marfan like connective tissue disorder; MFS 2; Marfan syndrome, type 2 (formerly); AORTIC ANEURYSM, FAMILIAL THORACIC 3. Identifiers: Orphanet 284973, Orphanet 558, MedGen C2674574, MONDO:0012427, OMIM 610168.

Allele frequency attached by ClinVar (database versions not stated): gnomAD exomes below 0.00001; TOPMed below 0.00001; gnomAD 0.00001.
gnomAD v4.1: 5 of 1,613,926 alleles (0.00031%); highest among the groups gnomAD compares: African/African-American, 0.0027%; no homozygotes.

Submissions (2):

Ambry Genetics
Classification: Uncertain significance. Last evaluated: 2025-08-19. Review status: criteria provided, single submitter. Criteria: Ambry Variant Classification Scheme 2023. Collection method: clinical testing. Allele origin: germline.
Comment: The p.T318I variant (also known as c.953C>T), located in coding exon 4 of the TMPO gene, results from a C to T substitution at nucleotide position 953. The threonine at codon 318 is replaced by isoleucine, an amino acid with similar properties. This amino acid position is conserved. In addition, this alteration is predicted to be tolerated by in silico analysis. Based on the available evidence, the clinical significance of this variant remains unclear.

Labcorp Genetics (formerly Invitae), Labcorp
Classification: Uncertain significance for Loeys-Dietz syndrome 2. Last evaluated: 2023-05-25. Review status: criteria provided, single submitter. Criteria: Invitae Variant Classification Sherloc (09022015). Collection method: clinical testing. Allele origin: germline.
Comment: In summary, the available evidence is currently insufficient to determine the role of this variant in disease. Therefore, it has been classified as a Variant of Uncertain Significance. Advanced modeling of protein sequence and biophysical properties (such as structural, functional, and spatial information, amino acid conservation, physicochemical variation, residue mobility, and thermodynamic stability) performed at Invitae indicates that this missense variant is not expected to disrupt TMPO protein function. This variant has not been reported in the literature in individuals affected with TMPO-related conditions. This variant is present in population databases (no rsID available, gnomAD 0.01%). This sequence change replaces threonine, which is neutral and polar, with isoleucine, which is neutral and non-polar, at codon 318 of the TMPO protein (p.Thr318Ile).

NM_001032283.3(TMPO):c.565+1372C>T

Gene: TMPO (thymopoietin; plus strand). Cytogenetic location: 12q23.1.
Variant type: single nucleotide variant.
Coding change: c.565+1372C>T on transcript NM_001032283.3 (MANE Select); 1372 bases into the intron after coding-DNA position 565, C replaced by T.
Molecular consequence: intron variant. On other transcripts: missense variant (1).
Genome position (GRCh38, 1-based): chr12:98,533,210, C>T. VCF-style: chr12-98533210-C-T. GRCh37 (hg19) VCF-style: chr12-98926988-C-T.
Other names: c.953C>T, p.Thr318Ile (NM_003276.2); c.565+1372C>T (NM_001307975.2, NM_001032284.3); short protein forms T318I.
Identifiers: ClinVar variation 2896477 (VCV002896477.4), dbSNP rs966227304, ClinGen allele CA242224458.